The following is an entry in ClinVar:

ClinVar aggregate classification (germline): Uncertain significance (1 of 4 stars; one submission).

Submission:

Labcorp Genetics (formerly Invitae), Labcorp
Classification: Uncertain significance. Last evaluated: 2024-10-23. Review status: criteria provided, single submitter. Criteria: Invitae Variant Classification Sherloc (09022015). Collection method: clinical testing. Allele origin: germline.
Comment: This sequence change replaces alanine, which is neutral and non-polar, with serine, which is neutral and polar, at codon 463 of the SLC7A14 protein (p.Ala463Ser). This variant is not present in population databases (gnomAD no frequency). This variant has not been reported in the literature in individuals affected with SLC7A14-related conditions. An algorithm developed to predict the effect of missense changes on protein structure and function (PolyPhen-2) suggests that this variant is likely to be tolerated. In summary, the available evidence is currently insufficient to determine the role of this variant in disease. Therefore, it has been classified as a Variant of Uncertain Significance.

NM_020949.3(SLC7A14):c.1387G>T (p.Ala463Ser)

Genes: SLC7A14 (solute carrier family 7 member 14; minus strand), SLC7A14-AS1 (SLC7A14 antisense RNA 1; plus strand). Cytogenetic location: 3q26.2.
Variant type: single nucleotide variant.
Coding change: c.1387G>T on transcript NM_020949.3 (MANE Select); coding-DNA position 1387, G replaced by T.
Protein change: p.Ala463Ser; replaces alanine 463 with serine.
Molecular consequence: missense variant.
Genome position (GRCh38, 1-based): chr3:170,480,895, C>A on the plus strand (G>T on the coding strand, the complement: SLC7A14 is on the minus strand). VCF-style: chr3-170480895-C-A. GRCh37 (hg19) VCF-style: chr3-170198684-C-A.
Other names: short protein forms A463S.
Identifiers: ClinVar variation 3622446 (VCV003622446.2).